The following is an entry in ClinVar:

NM_000543.5(SMPD1):c.865dup (p.Gln289fs)

Gene: SMPD1 (sphingomyelin phosphodiesterase 1; plus strand). Cytogenetic location: 11p15.4.
Variant type: Duplication.
Coding change: c.865dup on transcript NM_000543.5 (MANE Select); coding-DNA position 865, one base duplicated (C; older notation c.865dupC).
Protein change: p.Gln289fs; shifts the reading frame from glutamine 289.
Molecular consequence: frameshift variant. On other transcripts: 5 prime UTR variant (1), non-coding transcript variant (1).
Genome position (GRCh38, 1-based): chr11:6,391,930, C duplicated; the last of 2 consecutive C bases (chr11:6,391,929-6,391,930); duplicating either gives the same sequence. VCF-style (leftmost placement, unchanged base first): chr11-6391928-A-AC. GRCh37 (hg19) VCF-style: chr11-6413158-A-AC.
Other names: c.862dup, p.Gln288fs (NM_001007593.3); c.865dup, p.Gln289fs (NM_001318087.2, NM_001365135.2); c.-97dup (NM_001318088.2); short protein forms Q288fs, Q289fs.
Identifiers: ClinVar variation 5011748 (VCV005011748.1).

ClinVar aggregate classification (germline): Pathogenic (1 of 4 stars; one submission).

Conditions:
Acid sphingomyelinase deficiency. Identifiers: Orphanet 618899, MedGen C5243927, MONDO:0100464.

Submission:

Myriad Genetics, Inc.
Classification: Pathogenic for Acid sphingomyelinase deficiency. Last evaluated: 2023-09-27. Review status: criteria provided, single submitter. Criteria: Myriad Autosomal Dominant, Autosomal Recessive and X-Linked Classification Criteria (2023). Collection method: clinical testing. Allele origin: unknown.
Comment: NM_000543.4(SMPD1):c.865dupC(Q289Pfs*32) is expected to be pathogenic in the context of Niemann-Pick disease, SMPD1-related. This variant is predicted to lead to an abnormal or absent protein product due to the creation of a premature termination codon in SMPD1, a gene where loss-of-function variants are known to be pathogenic. Please note: this variant was assessed in the context of healthy population screening.